The following is an entry in ClinVar:

NM_017852.5(NLRP2):c.280+7G>A

Gene: NLRP2 (NLR family pyrin domain containing 2; plus strand). Cytogenetic location: 19q13.42.
Variant type: single nucleotide variant.
Coding change: c.280+7G>A on transcript NM_017852.5 (MANE Select); 7 bases into the intron after coding-DNA position 280, G replaced by A.
Molecular consequence: intron variant.
Genome position (GRCh38, 1-based): chr19:54,970,302, G>A. VCF-style: chr19-54970302-G-A. GRCh37 (hg19) VCF-style: chr19-55481670-G-A.
Other names: c.280+7G>A (NM_001174081.3, NM_001348003.2, NM_001174082.3 and 1 more transcripts); c.211+7G>A (NM_001174083.2).
Identifiers: ClinVar variation 2650498 (VCV002650498.25), dbSNP rs201587755, ClinGen allele CA310059258.

ClinVar aggregate classification (germline): Likely benign. Review status: criteria provided, single submitter (1 of 4 stars). 2 submissions from 2 submitters: Likely benign (1). 1 of the submissions does not count toward it. Last evaluated 2022-12-01.

Conditions:
NLRP2-related disorder. Also called: NLRP2-related condition.

Allele frequency attached by ClinVar (database versions not stated): 1000 Genomes Project 30x 0.00094; 1000 Genomes Project 0.00120; ESP Exome Variant Server 0.00161; ExAC 0.00187; gnomAD 0.00227; TOPMed 0.00244; gnomAD exomes 0.00322.
gnomAD v4.1: 5,091 of 1,613,996 alleles (0.32%); highest among the groups gnomAD compares: Middle Eastern, 0.58%; 16 homozygotes.

Submissions (2):

CeGaT Center for Human Genetics Tuebingen
Classification: Likely benign. Last evaluated: 2022-12-01. Review status: criteria provided, single submitter. Criteria: CeGaT Center For Human Genetics Tuebingen Variant Classification Criteria Version 2. Collection method: clinical testing. Allele origin: germline. Affected: yes. Observed: 2 variant alleles.
Comment: NLRP2: BP4

PreventionGenetics, part of Exact Sciences
Classification: Likely benign for NLRP2-related condition. Last evaluated: 2019-03-27. Review status: no assertion criteria provided. Collection method: clinical testing. Allele origin: germline. Not counted in ClinVar's aggregate classification.
Comment: This variant is classified as likely benign based on ACMG/AMP sequence variant interpretation guidelines (Richards et al. 2015 PMID: 25741868, with internal and published modifications).